The following is an entry in ClinVar:

ClinVar aggregate classification (germline): Pathogenic (1 of 4 stars; one submission).

Conditions:
Rhabdoid tumor predisposition syndrome 2 (RTPS2). Identifiers: Orphanet 231108, Orphanet 69077, MedGen C2750074, MONDO:0013224, OMIM 613325.

Submission:

Labcorp Genetics (formerly Invitae), Labcorp
Classification: Pathogenic for Rhabdoid tumor predisposition syndrome 2. Last evaluated: 2020-03-23. Review status: criteria provided, single submitter. Criteria: Invitae Variant Classification Sherloc (09022015). Collection method: clinical testing. Allele origin: germline.
Comment: This sequence change creates a premature translational stop signal (p.Gln515*) in the SMARCA4 gene. It is expected to result in an absent or disrupted protein product. This variant is not present in population databases (ExAC no frequency). This variant has not been reported in the literature in individuals with SMARCA4-related conditions. Loss-of-function variants in SMARCA4 are known to be pathogenic (PMID: 24658001, 24658002). For these reasons, this variant has been classified as Pathogenic.

Literature cited by the submitters: PubMed 24658001; PubMed 24658002.

NM_003072.5(SMARCA4):c.1543C>T (p.Gln515Ter)

Gene: SMARCA4 (SWI/SNF related BAF chromatin remodeling complex subunit ATPase 4; plus strand). Cytogenetic location: 19p13.2.
Variant type: single nucleotide variant.
Coding change: c.1543C>T on transcript NM_003072.5 (MANE Select); coding-DNA position 1543, C replaced by T.
Protein change: p.Gln515Ter; replaces glutamine 515 with a stop codon.
Molecular consequence: nonsense. On other transcripts: non-coding transcript variant (1).
Genome position (GRCh38, 1-based): chr19:10,994,951, C>T. VCF-style: chr19-10994951-C-T. GRCh37 (hg19) VCF-style: chr19-11105627-C-T.
Other names: c.1543C>T, p.Gln515Ter (NM_001128844.3, NM_001128845.2, NM_001128846.2 and 4 more transcripts); short protein forms Q515*.
Identifiers: ClinVar variation 854522 (VCV000854522.10), dbSNP rs2086887013, ClinGen allele CA404062223.